The following is an entry in ClinVar:

NM_004385.5(VCAN):c.2303A>T (p.Glu768Val)

Gene: VCAN (versican; plus strand). Cytogenetic location: 5q14.3.
Variant type: single nucleotide variant.
Coding change: c.2303A>T on transcript NM_004385.5 (MANE Select); coding-DNA position 2303, A replaced by T.
Protein change: p.Glu768Val; replaces glutamic acid 768 with valine.
Molecular consequence: missense variant. On other transcripts: intron variant (2).
Genome position (GRCh38, 1-based): chr5:83,520,609, A>T. VCF-style: chr5-83520609-A-T. GRCh37 (hg19) VCF-style: chr5-82816428-A-T.
Other names: c.2303A>T, p.Glu768Val (NM_001164098.2); c.1042+8213A>T (NM_001164097.2, NM_001126336.3); short protein forms E768V.
Identifiers: ClinVar variation 940854 (VCV000940854.9), dbSNP rs1746047624, ClinGen allele CA360303645.

ClinVar aggregate classification (germline): Uncertain significance (1 of 4 stars; one submission).

Allele frequency attached by ClinVar (database versions not stated): gnomAD exomes below 0.00001.
gnomAD v4.1: 1 of 1,614,018 alleles (0.000062%); highest among the groups gnomAD compares: Non-Finnish European, 0.000085%; no homozygotes.

Submission:

Labcorp Genetics (formerly Invitae), Labcorp
Classification: Uncertain significance. Last evaluated: 2019-09-11. Review status: criteria provided, single submitter. Criteria: Invitae Variant Classification Sherloc (09022015). Collection method: clinical testing. Allele origin: germline.
Comment: Algorithms developed to predict the effect of sequence changes on RNA splicing suggest that this variant may create or strengthen a splice site, but this prediction has not been confirmed by published transcriptional studies. Algorithms developed to predict the effect of missense changes on protein structure and function are either unavailable or do not agree on the potential impact of this missense change (SIFT: "Deleterious"; PolyPhen-2: "Benign"; Align-GVGD: "Class C65"). This variant has not been reported in the literature in individuals with VCAN-related conditions. This variant is not present in population databases (ExAC no frequency). This sequence change replaces glutamic acid with valine at codon 768 of the VCAN protein (p.Glu768Val). The glutamic acid residue is highly conserved and there is a moderate physicochemical difference between glutamic acid and valine. In summary, the available evidence is currently insufficient to determine the role of this variant in disease. Therefore, it has been classified as a Variant of Uncertain Significance.